The following is an entry in ClinVar:

NM_130837.3(OPA1):c.87A>G (p.Pro29=)

Gene: OPA1 (OPA1 mitochondrial dynamin like GTPase; plus strand). Cytogenetic location: 3q29.
Variant type: single nucleotide variant.
Coding change: c.87A>G on transcript NM_130837.3 (MANE Select); coding-DNA position 87, A replaced by G.
Protein change: p.Pro29=; no amino-acid change (proline 29 retained).
Molecular consequence: synonymous variant. On other transcripts: 5 prime UTR variant (2).
Genome position (GRCh38, 1-based): chr3:193,614,777, A>G. VCF-style: chr3-193614777-A-G. GRCh37 (hg19) VCF-style: chr3-193332566-A-G.
Other names: c.-286A>G (NM_001354663.2, NM_001354664.2); c.87A>G, p.Pro29= (NM_015560.3, NM_130831.3, NM_130832.3 and 4 more transcripts).
Identifiers: ClinVar variation 872665 (VCV000872665.47), dbSNP rs765574821, ClinGen allele CA2758933.

ClinVar aggregate classification (germline): Likely benign. Review status: criteria provided, multiple submitters, no conflicts (2 of 4 stars). 3 submissions from 3 submitters: Likely benign (3). Last evaluated 2025-07-04.

Allele frequency attached by ClinVar (database versions not stated): ExAC 0.00001; gnomAD exomes 0.00001 and 0.00002; TOPMed 0.00003; gnomAD 0.00004 and 0.00005.
gnomAD v4.1: 32 of 1,614,126 alleles (0.002%); highest among the groups gnomAD compares: Middle Eastern, 0.016%; no homozygotes.

Submissions (3):

Labcorp Genetics (formerly Invitae), Labcorp
Classification: Likely benign. Last evaluated: 2025-07-04. Review status: criteria provided, single submitter. Criteria: Invitae Variant Classification Sherloc (09022015). Collection method: clinical testing. Allele origin: germline.

CeGaT Center for Human Genetics Tuebingen
Classification: Likely benign. Last evaluated: 2025-04-01. Review status: criteria provided, single submitter. Criteria: CeGaT Center For Human Genetics Tuebingen Variant Classification Criteria Version 2. Collection method: clinical testing. Allele origin: germline. Affected: yes. Observed: 2 variant alleles.
Comment: OPA1: BP4, BP7

Blueprint Genetics
Classification: Likely benign. Last evaluated: 2022-09-12. Review status: criteria provided, single submitter. Criteria: ACMG Guidelines, 2015. Collection method: clinical testing. Allele origin: germline.